The following is an entry in ClinVar:

ClinVar aggregate classification (germline): Pathogenic (1 of 4 stars; one submission).

gnomAD v4.1: 1 of 1,613,930 alleles (0.000062%); highest among the groups gnomAD compares: Non-Finnish European, 0.000085%; no homozygotes.

Submission:

Labcorp Genetics (formerly Invitae), Labcorp
Classification: Pathogenic. Last evaluated: 2023-11-10. Review status: criteria provided, single submitter. Criteria: Invitae Variant Classification Sherloc (09022015). Collection method: clinical testing. Allele origin: germline.
Comment: This sequence change affects an acceptor splice site in intron 1 of the CYP11B2 gene. It is expected to disrupt RNA splicing. Variants that disrupt the donor or acceptor splice site typically lead to a loss of protein function (PMID: 16199547), and loss-of-function variants in CYP11B2 are known to be pathogenic (PMID: 20494601, 22801770, 26936515). This variant is not present in population databases (gnomAD no frequency). Disruption of this splice site has been observed in individual(s) with aldosterone synthase deficiency (PMID: 26936515). In at least one individual the data is consistent with being in trans (on the opposite chromosome) from a pathogenic variant. ClinVar contains an entry for this variant (Variation ID: 2109017). Studies have shown that disruption of this splice site alters mRNA splicing and is expected to lead to the loss of protein expression (PMID: 26936515). For these reasons, this variant has been classified as Pathogenic.

Literature cited by the submitters: PubMed 16199547; PubMed 20494601; PubMed 22801770; PubMed 26936515.

NM_000498.3(CYP11B2):c.240-1G>T

Genes: CYP11B2 (cytochrome P450 family 11 subfamily B member 2; minus strand), LOC106799834 (CYP11B2 recombination region; plus strand). Cytogenetic location: 8q24.3.
Variant type: single nucleotide variant.
Coding change: c.240-1G>T on transcript NM_000498.3 (MANE Select); the canonical splice acceptor site of the intron before coding-DNA position 240, G replaced by T.
Molecular consequence: splice acceptor variant.
Genome position (GRCh38, 1-based): chr8:142,917,215, C>A on the plus strand (G>T on the coding strand, the complement: CYP11B2 is on the minus strand). VCF-style: chr8-142917215-C-A. GRCh37 (hg19) VCF-style: chr8-143998631-C-A.
Identifiers: ClinVar variation 2109017 (VCV002109017.4), dbSNP rs771164401, ClinGen allele CA372393194.